The following is an entry in ClinVar:

NM_133497.4(KCNV2):c.371G>T (p.Gly124Val)

Gene: KCNV2 (potassium voltage-gated channel modifier subfamily V member 2; plus strand). Cytogenetic location: 9p24.2.
Variant type: single nucleotide variant.
Coding change: c.371G>T on transcript NM_133497.4 (MANE Select); coding-DNA position 371, G replaced by T.
Protein change: p.Gly124Val; replaces glycine 124 with valine.
Molecular consequence: missense variant.
Genome position (GRCh38, 1-based): chr9:2,718,110, G>T. VCF-style: chr9-2718110-G-T. GRCh37 (hg19) VCF-style: chr9-2718110-G-T.
Other names: short protein forms G124V.
Identifiers: ClinVar variation 2058667 (VCV002058667.4), dbSNP rs1819773519, ClinGen allele CA372796721.

ClinVar aggregate classification (germline): Uncertain significance (1 of 4 stars; one submission).

Submission:

Labcorp Genetics (formerly Invitae), Labcorp
Classification: Uncertain significance. Last evaluated: 2021-12-24. Review status: criteria provided, single submitter. Criteria: Invitae Variant Classification Sherloc (09022015). Collection method: clinical testing. Allele origin: germline.
Comment: This sequence change replaces glycine, which is neutral and non-polar, with valine, which is neutral and non-polar, at codon 124 of the KCNV2 protein (p.Gly124Val). This variant is not present in population databases (gnomAD no frequency). This variant has not been reported in the literature in individuals affected with KCNV2-related conditions. Algorithms developed to predict the effect of missense changes on protein structure and function are either unavailable or do not agree on the potential impact of this missense change (SIFT: "Deleterious"; PolyPhen-2: "Probably Damaging"; Align-GVGD: "Class C0"). In summary, the available evidence is currently insufficient to determine the role of this variant in disease. Therefore, it has been classified as a Variant of Uncertain Significance.